The following is an entry in ClinVar:

NM_002578.5(PAK3):c.767-12_767-9del

Gene: PAK3 (p21 (RAC1) activated kinase 3; plus strand). Cytogenetic location: Xq23.
Variant type: Microsatellite.
Coding change: c.767-12_767-9del on transcript NM_002578.5 (MANE Select); 12 bases into the intron before coding-DNA position 767 through 9 bases into the intron before coding-DNA position 767, 4 bases deleted (CCCA; older notation c.767-12_767-9delCCCA).
Molecular consequence: intron variant.
Genome position (GRCh38, 1-based): chrX:111,173,006-111,173,009, CCCA deleted; deleting any 4 consecutive bases within chrX:111,173,002-111,173,009 gives the same sequence; the c. name uses the placement nearest the transcript's 3' end. VCF-style (leftmost placement, unchanged base first): chrX-111173001-CCCCA-C. GRCh37 (hg19) VCF-style: chrX-110416229-CCCCA-C.
Other names: c.812-12_812-9del (NM_001324328.2, NM_001128173.3, NM_001324329.2 and 2 more transcripts); c.767-12_767-9del (NM_001324326.2, NM_001128166.3, NM_001324325.2 and 5 more transcripts); c.830-12_830-9del (NM_001128172.2); c.875-12_875-9del (NM_001128168.3); c.767-12_767-9delCCCA (NM_002578.3).
Identifiers: ClinVar variation 420204 (VCV000420204.1), dbSNP rs762138016, ClinGen allele CA10492711.

ClinVar aggregate classification (germline): Likely benign (1 of 4 stars; one submission).

Submission:

GeneDx
Classification: Likely benign. Last evaluated: 2015-12-14. Review status: criteria provided, single submitter. Criteria: GeneDx Variant Classification (06012015). Collection method: clinical testing. Allele origin: germline. Affected: yes.
Comment: This variant is considered likely benign or benign based on one or more of the following criteria: it is a conservative change, it occurs at a poorly conserved position in the protein, it is predicted to be benign by multiple in silico algorithms, and/or has population frequency not consistent with disease.